The following is an entry in ClinVar:

ClinVar aggregate classification (germline): Uncertain significance (1 of 4 stars; one submission).

Allele frequency attached by ClinVar (database versions not stated): gnomAD 0.00001; gnomAD exomes 0.00001; TOPMed 0.00001; ExAC 0.00002.
gnomAD v4.1: 12 of 1,612,540 alleles (0.00074%); highest among the groups gnomAD compares: Admixed American, 0.0033%; no homozygotes.

Submission:

Labcorp Genetics (formerly Invitae), Labcorp
Classification: Uncertain significance. Last evaluated: 2022-11-08. Review status: criteria provided, single submitter. Criteria: Invitae Variant Classification Sherloc (09022015). Collection method: clinical testing. Allele origin: germline.
Comment: This variant has not been reported in the literature in individuals affected with MRPL3-related conditions. In summary, the available evidence is currently insufficient to determine the role of this variant in disease. Therefore, it has been classified as a Variant of Uncertain Significance. Advanced modeling of protein sequence and biophysical properties (such as structural, functional, and spatial information, amino acid conservation, physicochemical variation, residue mobility, and thermodynamic stability) performed at Invitae indicates that this missense variant is not expected to disrupt MRPL3 protein function. This variant is present in population databases (rs776589313, gnomAD 0.006%). This sequence change replaces asparagine, which is neutral and polar, with threonine, which is neutral and polar, at codon 313 of the MRPL3 protein (p.Asn313Thr).

NM_007208.4(MRPL3):c.938A>C (p.Asn313Thr)

Gene: MRPL3 (mitochondrial ribosomal protein L3; minus strand). Cytogenetic location: 3q22.1.
Variant type: single nucleotide variant.
Coding change: c.938A>C on transcript NM_007208.4 (MANE Select); coding-DNA position 938, A replaced by C.
Protein change: p.Asn313Thr; replaces asparagine 313 with threonine.
Molecular consequence: missense variant.
Genome position (GRCh38, 1-based): chr3:131,462,832, T>G on the plus strand (A>C on the coding strand, the complement: MRPL3 is on the minus strand). VCF-style: chr3-131462832-T-G. GRCh37 (hg19) VCF-style: chr3-131181676-T-G.
Other names: short protein forms N313T.
Identifiers: ClinVar variation 1905248 (VCV001905248.5), dbSNP rs776589313, ClinGen allele CA2616861.